The following is an entry in ClinVar:

ClinVar aggregate classification (germline): Pathogenic (1 of 4 stars; one submission).

Submission:

Medical Genetic Center, Changzhi Maternal and Child Health Care Hospital
Classification: Pathogenic. Last evaluated: 2025-12-10. Review status: criteria provided, single submitter. Criteria: ACMG/ClinGen CNV Guidelines, 2019. Collection method: clinical testing. Allele origin: unknown.
Comment: 2A:17p12 recurrent (HNPP/CMT1A) region (includes PMP22)

GRCh38/hg38 17p12(chr17:14196248-15588218)x1

Genes: CDRT15 (CMT1A duplicated region transcript 15; minus strand), CDRT3 (CMT1A duplicated region transcript 3; minus strand), CDRT4 (CMT1A duplicated region transcript 4; minus strand), CDRT7 (CMT1A duplicated region transcript 7; plus strand), CDRT8 (CMT1A duplicated region transcript 8; minus strand) and 23 more. Cytogenetic location: 17p12.
Variant type: copy number loss.
Change: copy number 1 (one copy instead of two) of chr17:14,196,248-15,588,218 (1.39 Mb, GRCh38 coordinates, 1-based), cytogenetic band 17p12.
Identifiers: ClinVar variation 4796123 (VCV004796123.1).